The following is an entry in ClinVar:

NM_001142800.2(EYS):c.990_991del (p.Glu330fs)

Gene: EYS (EGF-like photoreceptor maintenance factor; minus strand). Cytogenetic location: 6q12.
Variant type: Deletion.
Coding change: c.990_991del on transcript NM_001142800.2 (MANE Select); coding-DNA positions 990 to 991, 2 bases deleted (AA; older notation c.990_991delAA).
Protein change: p.Glu330fs; shifts the reading frame from glutamic acid 330.
Molecular consequence: frameshift variant.
Genome position (GRCh38, 1-based): chr6:65,405,239-65,405,240, TT deleted on the plus strand (AA on the coding strand, the reverse complement: EYS is on the minus strand); deleting any 2 consecutive bases within chr6:65,405,239-65,405,241 gives the same sequence; the c. name uses the placement nearest the transcript's 3' end. VCF-style (leftmost placement, unchanged base first): chr6-65405238-GTT-G. GRCh37 (hg19) VCF-style: chr6-66115131-GTT-G.
Other names: c.990_991del, p.Glu330fs (NM_001142801.2, NM_001292009.2, NM_198283.2); short protein forms E330fs.
Identifiers: ClinVar variation 936318 (VCV000936318.7), dbSNP rs1766679390, ClinGen allele CA1139659653.

ClinVar aggregate classification (germline): Pathogenic (1 of 4 stars; one submission).

Submission:

Labcorp Genetics (formerly Invitae), Labcorp
Classification: Pathogenic. Last evaluated: 2022-06-17. Review status: criteria provided, single submitter. Criteria: Invitae Variant Classification Sherloc (09022015). Collection method: clinical testing. Allele origin: germline.
Comment: For these reasons, this variant has been classified as Pathogenic. ClinVar contains an entry for this variant (Variation ID: 936318). This variant has not been reported in the literature in individuals affected with EYS-related conditions. This variant is not present in population databases (gnomAD no frequency). This sequence change creates a premature translational stop signal (p.Glu330Aspfs*2) in the EYS gene. It is expected to result in an absent or disrupted protein product. Loss-of-function variants in EYS are known to be pathogenic (PMID: 18836446, 20333770).

Literature cited by the submitters: PubMed 18836446; PubMed 20333770.